The following is an entry in ClinVar:

NM_000834.5(GRIN2B):c.1394T>G (p.Leu465Arg)

Gene: GRIN2B (glutamate ionotropic receptor NMDA type subunit 2B; minus strand). Cytogenetic location: 12p13.1.
Variant type: single nucleotide variant.
Coding change: c.1394T>G on transcript NM_000834.5 (MANE Select); coding-DNA position 1394, T replaced by G.
Protein change: p.Leu465Arg; replaces leucine 465 with arginine.
Molecular consequence: missense variant.
Genome position (GRCh38, 1-based): chr12:13,615,599, A>C on the plus strand (T>G on the coding strand, the complement: GRIN2B is on the minus strand). VCF-style: chr12-13615599-A-C. GRCh37 (hg19) VCF-style: chr12-13768533-A-C.
Other names: c.1394T>G, p.Leu465Arg (NM_001413992.1); short protein forms L465R.
Identifiers: ClinVar variation 1771605 (VCV001771605.2), dbSNP rs2497599757, ClinGen allele CA384052270.

ClinVar aggregate classification (germline): Uncertain significance (1 of 4 stars; one submission).

Conditions:
Inborn genetic diseases. Identifiers: MedGen C0950123, MeSH D030342.

Submission:

Ambry Genetics
Classification: Uncertain significance for Inborn genetic diseases. Last evaluated: 2019-05-07. Review status: criteria provided, single submitter. Criteria: Ambry Variant Classification Scheme 2023. Collection method: clinical testing. Allele origin: germline.
Comment: The p.L465R variant (also known as c.1394T>G), located in coding exon 5 of the GRIN2B gene, results from a T to G substitution at nucleotide position 1394. The leucine at codon 465 is replaced by arginine, an amino acid with dissimilar properties. This amino acid position is highly conserved in available vertebrate species. In addition, this alteration is predicted to be deleterious by in silico analysis. Since supporting evidence is limited at this time, the clinical significance of this alteration remains unclear.